The following is an entry in ClinVar:

NM_153676.4(USH1C):c.407G>A (p.Arg136Gln)

Gene: USH1C (USH1 protein network component harmonin; minus strand). Cytogenetic location: 11p15.1.
Variant type: single nucleotide variant.
Coding change: c.407G>A on transcript NM_153676.4 (MANE Select); coding-DNA position 407, G replaced by A.
Protein change: p.Arg136Gln; replaces arginine 136 with glutamine.
Molecular consequence: missense variant. On other transcripts: non-coding transcript variant (1).
Genome position (GRCh38, 1-based): chr11:17,527,312, C>T on the plus strand (G>A on the coding strand, the complement: USH1C is on the minus strand). VCF-style: chr11-17527312-C-T. GRCh37 (hg19) VCF-style: chr11-17548859-C-T.
Other names: c.407G>A, p.Arg136Gln (NM_001297764.2, NM_005709.4); short protein forms R136Q.
Identifiers: ClinVar variation 966729 (VCV000966729.12), dbSNP rs558663132, ClinGen allele CA5905052.

ClinVar aggregate classification (germline): Uncertain significance. Review status: criteria provided, multiple submitters, no conflicts (2 of 4 stars). 6 submissions from 6 submitters: Uncertain significance (5). 1 of the submissions does not count toward it. Last evaluated 2026-01-31.

Conditions:
Usher syndrome type 1C. Also called: USHER SYNDROME, TYPE I, ACADIAN VARIETY. Identifiers: Orphanet 231169, Orphanet 886, MedGen C1848604, MONDO:0010171, OMIM 276904.

Allele frequency attached by ClinVar (database versions not stated): gnomAD exomes 0.00009 and 0.00011; 1000 Genomes Project 0.00020; TOPMed 0.00006; ExAC 0.00012; 1000 Genomes Project 30x 0.00031.

Submissions (6):

GeneDx
Classification: Uncertain significance. Last evaluated: 2026-01-31. Review status: criteria provided, single submitter. Criteria: GeneDx Variant Classification Process June 2021. Collection method: clinical testing. Allele origin: germline.
Comment: Identified in patients with Usher syndrome or retinopathy in published literature, however, clinical information was not provided (PMID: 33781268, 29625443); In silico analysis supports that this missense variant has a deleterious effect on protein structure/function; This variant is associated with the following publications: (PMID: 29625443, 33781268)

Blueprint Genetics
Classification: Uncertain significance. Last evaluated: 2024-11-26. Review status: criteria provided, single submitter. Criteria: ACMG Guidelines, 2015. Collection method: clinical testing. Allele origin: germline.

Women's Health and Genetics/Laboratory Corporation of America, LabCorp
Classification: Uncertain significance. Last evaluated: 2024-01-30. Review status: criteria provided, single submitter. Criteria: LabCorp Variant Classification Summary - May 2015. Collection method: clinical testing. Allele origin: germline.
Comment: Variant summary: UUSH1C c.407G>A (p.Arg136Gln) results in a conservative amino acid change located in the PDZ domain (IPR001478) of the encoded protein sequence. Three of five in-silico tools predict a damaging effect of the variant on protein function. The variant allele was found at a frequency of 0.00011 in 250502 control chromosomes (gnomAD). This frequency is not significantly higher than estimated for a pathogenic variant in USH1C causing Usher Syndrome (0.00011 vs 0.0029), allowing no conclusion about variant significance. c.407G>A has been reported in the literature in individuals affected with Usher Syndrome (Sun_2018, Bai_2021). These reports do not provide unequivocal conclusions about association of the variant with Usher Syndrome. To our knowledge, no experimental evidence demonstrating an impact on protein function has been reported. The following publications have been ascertained in the context of this evaluation (PMID: 33781268, 29625443). ClinVar contains an entry for this variant (Variation ID: 966729). Based on the evidence outlined above, the variant was classified as uncertain significance.

Labcorp Genetics (formerly Invitae), Labcorp
Classification: Uncertain significance. Last evaluated: 2022-08-22. Review status: criteria provided, single submitter. Criteria: Invitae Variant Classification Sherloc (09022015). Collection method: clinical testing. Allele origin: germline.
Comment: This sequence change replaces arginine, which is basic and polar, with glutamine, which is neutral and polar, at codon 136 of the USH1C protein (p.Arg136Gln). This variant is present in population databases (rs558663132, gnomAD 0.06%). This missense change has been observed in individual(s) with clinical features of USH1C-related conditions (PMID: 29625443, 33781268). ClinVar contains an entry for this variant (Variation ID: 966729). Algorithms developed to predict the effect of missense changes on protein structure and function (SIFT, PolyPhen-2, Align-GVGD) all suggest that this variant is likely to be disruptive. In summary, the available evidence is currently insufficient to determine the role of this variant in disease. Therefore, it has been classified as a Variant of Uncertain Significance.

Laboratory for Molecular Medicine, Mass General Brigham Personalized Medicine
Classification: Uncertain significance. Last evaluated: 2020-06-04. Review status: criteria provided, single submitter. Criteria: LMM Criteria. Collection method: clinical testing. Allele origin: germline. Observed: 1 variant allele.
Comment: The p.Arg136Gln variant in USH1C has been previously reported in 1 proband with Usher syndrome; however, a second variant in USH1C was not detected (PMID: 29625443). It has also been identified in 0.06% (19/30614) of South Asian Computational prediction tools and conservation analyses suggest that this variant may impact the protein, though this information is not predictive enough to determine pathogenicity. In summary, the clinical significance of this variant is uncertain. ACMG/AMP Criteria applied: PM2_Supporting, PP3.

Natera, Inc.
Classification: Uncertain significance for Usher syndrome type 1C. Last evaluated: 2020-02-10. Review status: no assertion criteria provided. Collection method: clinical testing. Allele origin: germline. Not counted in ClinVar's aggregate classification.

Literature cited by the submitters: PubMed 29625443 (cited by 3 submitters); PubMed 33781268 (cited by Women's Health and Genetics/Laboratory Corporation of America, LabCorp and Labcorp Genetics (formerly Invitae), Labcorp).